The following is an entry in ClinVar:

NM_001211.6(BUB1B):c.2411A>G (p.Asp804Gly)

Gene: BUB1B (BUB1 mitotic checkpoint serine/threonine kinase B; plus strand). Cytogenetic location: 15q15.1.
Variant type: single nucleotide variant.
Coding change: c.2411A>G on transcript NM_001211.6 (MANE Select); coding-DNA position 2411, A replaced by G.
Protein change: p.Asp804Gly; replaces aspartic acid 804 with glycine.
Molecular consequence: missense variant.
Genome position (GRCh38, 1-based): chr15:40,212,524, A>G. VCF-style: chr15-40212524-A-G. GRCh37 (hg19) VCF-style: chr15-40504725-A-G.
Other names: short protein forms D804G.
Identifiers: ClinVar variation 3221387 (VCV003221387.1), dbSNP rs746199654, ClinGen allele CA7476044.

ClinVar aggregate classification (germline): Uncertain significance (1 of 4 stars; one submission).

Conditions:
Inborn genetic diseases. Identifiers: MedGen C0950123, MeSH D030342.

Allele frequency attached by ClinVar (database versions not stated): gnomAD exomes below 0.00001; ExAC 0.00001.
gnomAD v4.1: 1 of 1,612,868 alleles (0.000062%); highest among the groups gnomAD compares: South Asian, 0.0011%; no homozygotes.

Submission:

Ambry Genetics
Classification: Uncertain significance for Inborn genetic diseases. Last evaluated: 2023-12-21. Review status: criteria provided, single submitter. Criteria: Ambry Variant Classification Scheme 2023. Collection method: clinical testing. Allele origin: germline.
Comment: The p.D804G variant (also known as c.2411A>G), located in coding exon 19 of the BUB1B gene, results from an A to G substitution at nucleotide position 2411. The aspartic acid at codon 804 is replaced by glycine, an amino acid with similar properties. This amino acid position is conserved. In addition, the in silico prediction for this alteration is inconclusive. Since supporting evidence is limited at this time, the clinical significance of this alteration remains unclear.